The following is an entry in ClinVar:

NM_001365999.1(SZT2):c.5075C>A (p.Thr1692Asn)

Gene: SZT2 (SZT2 subunit of KICSTOR complex; plus strand). Cytogenetic location: 1p34.2.
Variant type: single nucleotide variant.
Coding change: c.5075C>A on transcript NM_001365999.1 (MANE Select); coding-DNA position 5075, C replaced by A.
Protein change: p.Thr1692Asn; replaces threonine 1692 with asparagine.
Molecular consequence: missense variant.
Genome position (GRCh38, 1-based): chr1:43,431,510, C>A. VCF-style: chr1-43431510-C-A. GRCh37 (hg19) VCF-style: chr1-43897181-C-A.
Other names: c.4904C>A, p.Thr1635Asn (NM_015284.4); short protein forms T1635N, T1692N.
Identifiers: ClinVar variation 1005269 (VCV001005269.9), dbSNP rs149831634, ClinGen allele CA809463.

ClinVar aggregate classification (germline): Uncertain significance. Review status: criteria provided, multiple submitters, no conflicts (2 of 4 stars). 3 submissions from 3 submitters: Uncertain significance (3). Last evaluated 2023-04-11.

Conditions:
Developmental and epileptic encephalopathy, 18 (DEE18). Also called: Early infantile epileptic encephalopathy 18. Identifiers: Orphanet 369894, MedGen C3809624, MONDO:0014201, OMIM 615476.
Inborn genetic diseases. Identifiers: MedGen C0950123, MeSH D030342.

gnomAD v4.1: 6 of 1,614,052 alleles (0.00037%); highest among the groups gnomAD compares: Admixed American, 0.01%; no homozygotes.

Submissions (3):

Genome-Nilou Lab
Classification: Uncertain significance for Developmental and epileptic encephalopathy, 18. Last evaluated: 2023-04-11. Review status: criteria provided, single submitter. Criteria: ACMG Guidelines, 2015. Collection method: clinical testing. Allele origin: germline. Affected: no.

Labcorp Genetics (formerly Invitae), Labcorp
Classification: Uncertain significance. Last evaluated: 2021-09-01. Review status: criteria provided, single submitter. Criteria: Invitae Variant Classification Sherloc (09022015). Collection method: clinical testing. Allele origin: germline.
Comment: This sequence change replaces threonine with asparagine at codon 1635 of the SZT2 protein (p.Thr1635Asn). The threonine residue is moderately conserved and there is a small physicochemical difference between threonine and asparagine. This variant is present in population databases (rs149831634, ExAC 0.02%). This variant has not been reported in the literature in individuals affected with SZT2-related conditions. Algorithms developed to predict the effect of missense changes on protein structure and function (SIFT, PolyPhen-2, Align-GVGD) all suggest that this variant is likely to be tolerated. In summary, the available evidence is currently insufficient to determine the role of this variant in disease. Therefore, it has been classified as a Variant of Uncertain Significance.

Ambry Genetics
Classification: Uncertain significance for Inborn genetic diseases. Last evaluated: 2020-06-04. Review status: criteria provided, single submitter. Criteria: Ambry Variant Classification Scheme 2023. Collection method: clinical testing. Allele origin: germline.
Comment: The p.T1635N variant (also known as c.4904C>A), located in coding exon 34 of the SZT2 gene, results from a C to A substitution at nucleotide position 4904. The threonine at codon 1635 is replaced by asparagine, an amino acid with similar properties. This amino acid position is not well conserved in available vertebrate species, and asparagine is the reference amino acid in other vertebrate species. In addition, this alteration is predicted to be tolerated by in silico analysis. Since supporting evidence is limited at this time, the clinical significance of this alteration remains unclear.